The following is an entry in ClinVar:

NM_000059.4(BRCA2):c.-16A>T

Gene: BRCA2 (BRCA2 DNA repair associated; plus strand). Cytogenetic location: 13q13.1.
Variant type: single nucleotide variant.
Coding change: c.-16A>T on transcript NM_000059.4 (MANE Select); 16 bases upstream of the start codon, A replaced by T.
Molecular consequence: 5 prime UTR variant.
Genome position (GRCh38, 1-based): chr13:32,316,445, A>T. VCF-style: chr13-32316445-A-T. GRCh37 (hg19) VCF-style: chr13-32890582-A-T.
Other names: c.-16A>T (NM_001406719.1, NM_001406720.1, NM_001406721.1).
Identifiers: ClinVar variation 2080111 (VCV002080111.4), dbSNP rs2138697821, ClinGen allele CA2580086932.

ClinVar aggregate classification (germline): Uncertain significance (1 of 4 stars; one submission).

Conditions:
Hereditary breast ovarian cancer syndrome. Also called: Hereditary breast and ovarian cancer syndrome; Hereditary breast and ovarian cancer syndrome (HBOC); Breast and ovarian cancer; Hereditary breast and/or ovarian cancer syndrome; BRCA1- and BRCA2-Associated Hereditary Breast and Ovarian Cancer; Hereditary breast and ovarian cancer. Identifiers: Orphanet 145, MedGen C0677776, MeSH D061325, MONDO:0003582. Disease mechanism: loss of function.

Submission:

Labcorp Genetics (formerly Invitae), Labcorp
Classification: Uncertain significance for Hereditary breast ovarian cancer syndrome. Last evaluated: 2022-01-16. Review status: criteria provided, single submitter. Criteria: Invitae Variant Classification Sherloc (09022015). Collection method: clinical testing. Allele origin: germline.
Comment: In summary, the available evidence is currently insufficient to determine the role of this variant in disease. Therefore, it has been classified as a Variant of Uncertain Significance. Algorithms developed to predict the effect of sequence changes on RNA splicing suggest that this variant may create or strengthen a splice site. This variant has not been reported in the literature in individuals affected with BRCA2-related conditions. This variant is not present in population databases (gnomAD no frequency). This variant occurs in a non-coding region of the BRCA2 gene. It does not change the encoded amino acid sequence of the BRCA2 protein.